The following is an entry in ClinVar:

ClinVar aggregate classification (germline): Likely pathogenic (1 of 4 stars; one submission).

Conditions:
Primary ciliary dyskinesia. Also called: Ciliary dyskinesia. Identifiers: Orphanet 244, MedGen C0008780, MONDO:0016575, HP:0012265.

Submission:

Labcorp Genetics (formerly Invitae), Labcorp
Classification: Likely pathogenic for Primary ciliary dyskinesia. Last evaluated: 2021-10-02. Review status: criteria provided, single submitter. Criteria: Invitae Variant Classification Sherloc (09022015). Collection method: clinical testing. Allele origin: germline.
Comment: Algorithms developed to predict the effect of sequence changes on RNA splicing suggest that this variant may disrupt the consensus splice site. In summary, the currently available evidence indicates that the variant is pathogenic, but additional data are needed to prove that conclusively. Therefore, this variant has been classified as Likely Pathogenic. Algorithms developed to predict the effect of missense changes on protein structure and function are either unavailable or do not agree on the potential impact of this missense change (SIFT: "Deleterious"; PolyPhen-2: "Probably Damaging"; Align-GVGD: "Class C0"). This sequence change replaces aspartic acid with tyrosine at codon 2817 of the DNAH5 protein (p.Asp2817Tyr). The aspartic acid residue is weakly conserved and there is a large physicochemical difference between aspartic acid and tyrosine. This variant is not present in population databases (ExAC no frequency). This missense change has been observed in individual(s) with primary ciliary dyskinesia (Invitae).

NM_001369.3(DNAH5):c.8449G>T (p.Asp2817Tyr)

Gene: DNAH5 (dynein axonemal heavy chain 5; minus strand). Cytogenetic location: 5p15.2.
Variant type: single nucleotide variant.
Coding change: c.8449G>T on transcript NM_001369.3 (MANE Select); coding-DNA position 8449, G replaced by T.
Protein change: p.Asp2817Tyr; replaces aspartic acid 2817 with tyrosine.
Molecular consequence: missense variant.
Genome position (GRCh38, 1-based): chr5:13,788,914, C>A on the plus strand (G>T on the coding strand, the complement: DNAH5 is on the minus strand). VCF-style: chr5-13788914-C-A. GRCh37 (hg19) VCF-style: chr5-13789023-C-A.
Other names: short protein forms D2817Y.
Identifiers: ClinVar variation 572150 (VCV000572150.8), dbSNP rs745885469, ClinGen allele CA359218211.